The following is an entry in ClinVar:

NM_001330260.2(SCN8A):c.3349T>C (p.Ser1117Pro)

Gene: SCN8A (sodium voltage-gated channel alpha subunit 8; plus strand). Cytogenetic location: 12q13.13.
Variant type: single nucleotide variant.
Coding change: c.3349T>C on transcript NM_001330260.2 (MANE Select); coding-DNA position 3349, T replaced by C.
Protein change: p.Ser1117Pro; replaces serine 1117 with proline.
Molecular consequence: missense variant.
Genome position (GRCh38, 1-based): chr12:51,769,312, T>C. VCF-style: chr12-51769312-T-C. GRCh37 (hg19) VCF-style: chr12-52163096-T-C.
Other names: c.3349T>C, p.Ser1117Pro (NM_001177984.3, NM_001369788.1, NM_014191.4); short protein forms S1117P.
Identifiers: ClinVar variation 3572749 (VCV003572749.1).

ClinVar aggregate classification (germline): Uncertain significance (1 of 4 stars; one submission).

Submission:

GeneDx
Classification: Uncertain significance. Last evaluated: 2024-07-10. Review status: criteria provided, single submitter. Criteria: GeneDx Variant Classification Process June 2021. Collection method: clinical testing. Allele origin: germline. Affected: yes.
Comment: Not observed at significant frequency in large population cohorts (gnomAD); In silico analysis supports that this missense variant has a deleterious effect on protein structure/function; This substitution is predicted to be in the cytoplasmic loop between the second and third homologous domains; Has not been previously published as pathogenic or benign to our knowledge